The following is an entry in ClinVar:

NM_001271.4(CHD2):c.4525del (p.Ile1509fs)

Gene: CHD2 (chromodomain helicase DNA binding protein 2; plus strand). Cytogenetic location: 15q26.1.
Variant type: Deletion.
Coding change: c.4525del on transcript NM_001271.4 (MANE Select); coding-DNA position 4525, one base deleted (A; older notation c.4525delA).
Protein change: p.Ile1509fs; shifts the reading frame from isoleucine 1509.
Molecular consequence: frameshift variant.
Genome position (GRCh38, 1-based): chr15:93,009,256, A deleted; the last of 4 consecutive A bases (chr15:93,009,253-93,009,256); deleting any one gives the same sequence. VCF-style (leftmost placement, unchanged base first): chr15-93009252-GA-G. GRCh37 (hg19) VCF-style: chr15-93552482-GA-G.
Other names: short protein forms I1509fs.
Identifiers: ClinVar variation 2021183 (VCV002021183.4), dbSNP rs2505617544, ClinGen allele CA2580090341.

ClinVar aggregate classification (germline): Pathogenic (1 of 4 stars; one submission).

Conditions:
Developmental and epileptic encephalopathy 94 (DEE94). Also called: Epileptic encephalopathy, childhood-onset; CHD2-Related Neurodevelopmental Disorders. Identifiers: Orphanet 1942, Orphanet 2382, MedGen C3809278, MONDO:0014150, OMIM 615369.

Submission:

Labcorp Genetics (formerly Invitae), Labcorp
Classification: Pathogenic for Developmental and epileptic encephalopathy 94. Last evaluated: 2022-08-02. Review status: criteria provided, single submitter. Criteria: Invitae Variant Classification Sherloc (09022015). Collection method: clinical testing. Allele origin: germline.
Comment: For these reasons, this variant has been classified as Pathogenic. This variant has not been reported in the literature in individuals affected with CHD2-related conditions. This variant is not present in population databases (gnomAD no frequency). This sequence change creates a premature translational stop signal (p.Ile1509Serfs*5) in the CHD2 gene. It is expected to result in an absent or disrupted protein product. Loss-of-function variants in CHD2 are known to be pathogenic (PMID: 23708187, 24207121).

Literature cited by the submitters: PubMed 23708187; PubMed 24207121.